The following is an entry in ClinVar:

NM_002047.4(GARS1):c.324G>A (p.Lys108=)

Gene: GARS1 (glycyl-tRNA synthetase 1; plus strand). Cytogenetic location: 7p14.3.
Variant type: single nucleotide variant.
Coding change: c.324G>A on transcript NM_002047.4 (MANE Select); coding-DNA position 324, G replaced by A.
Protein change: p.Lys108=; no amino-acid change (lysine 108 retained).
Molecular consequence: synonymous variant.
Genome position (GRCh38, 1-based): chr7:30,598,897, G>A. VCF-style: chr7-30598897-G-A. GRCh37 (hg19) VCF-style: chr7-30638513-G-A.
Other names: c.162G>A, p.Lys54= (NM_001316772.1).
Identifiers: ClinVar variation 2772122 (VCV002772122.3), dbSNP rs1037845563, ClinGen allele CA156098727.

ClinVar aggregate classification (germline): Uncertain significance (1 of 4 stars; one submission).

Conditions:
Charcot-Marie-Tooth disease type 2. Also called: Charcot-Marie-Tooth type 2. Identifiers: Orphanet 64746, MedGen C0270914, MONDO:0018993.

Allele frequency attached by ClinVar (database versions not stated): gnomAD exomes below 0.00001.
gnomAD v4.1: 1 of 1,610,990 alleles (0.000062%); highest among the groups gnomAD compares: Non-Finnish European, 0.000085%; no homozygotes.

Submission:

Labcorp Genetics (formerly Invitae), Labcorp
Classification: Uncertain significance for Charcot-Marie-Tooth disease type 2. Last evaluated: 2023-01-08. Review status: criteria provided, single submitter. Criteria: Invitae Variant Classification Sherloc (09022015). Collection method: clinical testing. Allele origin: germline.
Comment: In summary, the available evidence is currently insufficient to determine the role of this variant in disease. Therefore, it has been classified as a Variant of Uncertain Significance. Variants that disrupt the consensus splice site are a relatively common cause of aberrant splicing (PMID: 17576681, 9536098). Algorithms developed to predict the effect of sequence changes on RNA splicing suggest that this variant may create or strengthen a splice site. This variant has not been reported in the literature in individuals affected with GARS-related conditions. This variant is not present in population databases (gnomAD no frequency). This sequence change affects codon 108 of the GARS mRNA. It is a 'silent' change, meaning that it does not change the encoded amino acid sequence of the GARS protein. This variant also falls at the last nucleotide of exon 2, which is part of the consensus splice site for this exon.

Literature cited by the submitters: PubMed 17576681; PubMed 9536098.